The following is an entry in ClinVar:

ClinVar aggregate classification (germline): Uncertain significance. Review status: criteria provided, multiple submitters, no conflicts (2 of 4 stars). 2 submissions from 2 submitters: Uncertain significance (2). Last evaluated 2022-09-07.

Conditions:
Inborn genetic diseases. Identifiers: MedGen C0950123, MeSH D030342.

Allele frequency attached by ClinVar (database versions not stated): gnomAD exomes 0.00005; ExAC 0.00007; ESP Exome Variant Server 0.00015; gnomAD 0.00019.
gnomAD v4.1: 55 of 1,611,556 alleles (0.0034%); highest among the groups gnomAD compares: African/African-American, 0.068%; no homozygotes.

Submissions (2):

Labcorp Genetics (formerly Invitae), Labcorp
Classification: Uncertain significance. Last evaluated: 2022-09-07. Review status: criteria provided, single submitter. Criteria: Invitae Variant Classification Sherloc (09022015). Collection method: clinical testing. Allele origin: germline.
Comment: This sequence change replaces proline, which is neutral and non-polar, with arginine, which is basic and polar, at codon 64 of the CAD protein (p.Pro64Arg). This variant is present in population databases (rs374659791, gnomAD 0.07%). This variant has not been reported in the literature in individuals affected with CAD-related conditions. ClinVar contains an entry for this variant (Variation ID: 1363874). Algorithms developed to predict the effect of missense changes on protein structure and function (SIFT, PolyPhen-2, Align-GVGD) all suggest that this variant is likely to be tolerated. In summary, the available evidence is currently insufficient to determine the role of this variant in disease. Therefore, it has been classified as a Variant of Uncertain Significance.

Ambry Genetics
Classification: Uncertain significance for Inborn genetic diseases. Last evaluated: 2021-07-21. Review status: criteria provided, single submitter. Criteria: Ambry Variant Classification Scheme 2023. Collection method: clinical testing. Allele origin: germline.

NM_004341.5(CAD):c.191C>G (p.Pro64Arg)

Gene: CAD (carbamoyl-phosphate synthetase 2, aspartate transcarbamylase, and dihydroorotase; plus strand). Cytogenetic location: 2p23.3.
Variant type: single nucleotide variant.
Coding change: c.191C>G on transcript NM_004341.5 (MANE Select); coding-DNA position 191, C replaced by G.
Protein change: p.Pro64Arg; replaces proline 64 with arginine.
Molecular consequence: missense variant.
Genome position (GRCh38, 1-based): chr2:27,217,985, C>G. VCF-style: chr2-27217985-C-G. GRCh37 (hg19) VCF-style: chr2-27440853-C-G.
Other names: c.191C>G, p.Pro64Arg (NM_001306079.2); c.191C>G (NM_004341.3); short protein forms P64R.
Identifiers: ClinVar variation 1363874 (VCV001363874.4), dbSNP rs374659791, ClinGen allele CA1572344.